The following is an entry in ClinVar:

ClinVar aggregate classification (germline): Uncertain significance. Review status: criteria provided, multiple submitters, no conflicts (2 of 4 stars). 2 submissions from 2 submitters: Uncertain significance (2). Last evaluated 2025-09-11.

Conditions:
Familial cold autoinflammatory syndrome 2 (FCAS2). Identifiers: Orphanet 247868, MedGen C2673198, MONDO:0012724, OMIM 611762.

Submissions (2):

Women's Health and Genetics/Laboratory Corporation of America, LabCorp
Classification: Uncertain significance. Last evaluated: 2025-09-11. Review status: criteria provided, single submitter. Criteria: LabCorp Variant Classification Summary - May 2015. Collection method: clinical testing. Allele origin: germline.
Comment: Variant summary: NLRP12 c.2926_2927delTG (p.Trp976AlafsX3) results in a premature termination codon, predicted to cause a truncation of the encoded protein or absence of the protein due to nonsense mediated decay, however current evidence is not sufficient to establish loss of function as a mechanism for disease. Consensus agreement among computation tools predict no significant impact on normal splicing. However, these predictions have yet to be confirmed by functional studies. The variant allele was found at a frequency of 1.2e-05 in 251286 control chromosomes. The available data on variant occurrences in the general population are insufficient to allow any conclusion about variant significance. To our knowledge, no occurrence of c.2926_2927delTG in individuals affected with NLRP12-related conditions and no experimental evidence demonstrating its impact on protein function have been reported. ClinVar contains an entry for this variant (Variation ID: 946998). Based on the evidence outlined above, the variant was classified as uncertain significance.

Labcorp Genetics (formerly Invitae), Labcorp
Classification: Uncertain significance for Familial cold autoinflammatory syndrome 2. Last evaluated: 2025-06-24. Review status: criteria provided, single submitter. Criteria: Invitae Variant Classification Sherloc (09022015). Collection method: clinical testing. Allele origin: germline.
Comment: This sequence change creates a premature translational stop signal (p.Trp976Alafs*3) in the NLRP12 gene. It is expected to result in an absent or disrupted protein product. However, the current clinical and genetic evidence is not sufficient to establish whether loss-of-function variants in NLRP12 cause disease. This variant is present in population databases (rs764265930, gnomAD 0.004%). This variant has not been reported in the literature in individuals affected with NLRP12-related conditions. ClinVar contains an entry for this variant (Variation ID: 946998). Algorithms developed to predict the effect of sequence changes on RNA splicing suggest that this variant may disrupt the consensus splice site. In summary, the available evidence is currently insufficient to determine the role of this variant in disease. Therefore, it has been classified as a Variant of Uncertain Significance.

NM_144687.4(NLRP12):c.2926_2927del (p.Trp976fs)

Gene: NLRP12 (NLR family pyrin domain containing 12; minus strand). Cytogenetic location: 19q13.42.
Variant type: Microsatellite.
Coding change: c.2926_2927del on transcript NM_144687.4 (MANE Select); coding-DNA positions 2926 to 2927, 2 bases deleted (TG; older notation c.2926_2927delTG).
Protein change: p.Trp976fs; shifts the reading frame from tryptophan 976.
Molecular consequence: frameshift variant. On other transcripts: intron variant (1).
Genome position (GRCh38, 1-based): chr19:53,798,243-53,798,244, CA deleted on the plus strand (TG on the coding strand, the reverse complement: NLRP12 is on the minus strand); deleting any 2 consecutive bases within chr19:53,798,243-53,798,246 gives the same sequence; the c. name uses the placement nearest the transcript's 3' end. VCF-style (leftmost placement, unchanged base first): chr19-53798242-CCA-C. GRCh37 (hg19) VCF-style: chr19-54301496-CCA-C.
Other names: c.2929_2930del, p.Trp977fs (NM_001277126.2); c.2757-2215_2757-2214del (NM_001277129.1); c.2926_2927delTG (NM_144687.4); short protein forms W976fs, W977fs.
Identifiers: ClinVar variation 946998 (VCV000946998.9), dbSNP rs764265930, ClinGen allele CA9638864.